The following is an entry in ClinVar:

NM_013382.7(POMT2):c.1006+261C>T

Gene: POMT2 (protein O-mannosyltransferase 2; minus strand). Cytogenetic location: 14q24.3.
Variant type: single nucleotide variant.
Coding change: c.1006+261C>T on transcript NM_013382.7 (MANE Select); 261 bases into the intron after coding-DNA position 1006, C replaced by T.
Molecular consequence: intron variant.
Genome position (GRCh38, 1-based): chr14:77,298,428, G>A on the plus strand (C>T on the coding strand, the complement: POMT2 is on the minus strand). VCF-style: chr14-77298428-G-A. GRCh37 (hg19) VCF-style: chr14-77764771-G-A.
Identifiers: ClinVar variation 683955 (VCV000683955.1), dbSNP rs2287388, ClinGen allele CA14009050.

ClinVar aggregate classification (germline): Benign (1 of 4 stars; one submission).

Allele frequency attached by ClinVar (database versions not stated): gnomAD 0.23064 and 0.23577; TOPMed 0.24542; 1000 Genomes Project 30x 0.29201; 1000 Genomes Project 0.29533.
gnomAD v4.1: 35,918 of 152,060 alleles (24%); highest among the groups gnomAD compares: East Asian, 47%; 4,539 homozygotes.

Submission:

GeneDx
Classification: Benign. Last evaluated: 2018-06-19. Review status: criteria provided, single submitter. Criteria: GeneDx Variant Classification (06012015). Collection method: clinical testing. Allele origin: germline. Affected: yes.
Comment: This variant is considered likely benign or benign based on one or more of the following criteria: it is a conservative change, it occurs at a poorly conserved position in the protein, it is predicted to be benign by multiple in silico algorithms, and/or has population frequency not consistent with disease.